The following is an entry in ClinVar:

NC_000003.11:g.(?_10183532)_(10188330_?)dup

Gene: VHL (von Hippel-Lindau tumor suppressor; plus strand). Cytogenetic location: 3p25.3.
Variant type: Duplication.
Identifiers: ClinVar variation 2423319 (VCV002423319.5).

ClinVar aggregate classification (germline): Uncertain significance (1 of 4 stars; one submission).

Conditions:
Chuvash polycythemia. Also called: POLYCYTHEMIA, VHL-DEPENDENT. Identifiers: Orphanet 238557, MedGen C1837915, MONDO:0009892, OMIM 263400.
Von Hippel-Lindau syndrome (VHLS). Also called: Von Hippel-Lindau; VHL syndrome; von Hippel–Lindau syndrome. Identifiers: Orphanet 892, MedGen C0019562, MONDO:0008667, OMIM 193300. Disease mechanism: loss of function.

Submission:

Labcorp Genetics (formerly Invitae), Labcorp
Classification: Uncertain significance for Von Hippel-Lindau syndrome; Chuvash polycythemia. Last evaluated: 2021-05-28. Review status: criteria provided, single submitter. Criteria: Invitae Variant Classification Sherloc (09022015). Collection method: clinical testing. Allele origin: germline.
Comment: This variant results in a copy number gain of the genomic region encompassing exons 1-2 of the VHL gene. The 5' end of this event is unknown as it extends beyond the assayed region for this gene and therefore may encompass additional genes. The 3' boundary is likely confined to intron 2 of the VHL gene. As the precise location of this event is unknown, it may be in tandem or it may be located elsewhere in the genome. This variant has not been reported in the literature in individuals with VHL-related conditions. In summary, the available evidence is currently insufficient to determine the role of this variant in disease. Therefore, it has been classified as a Variant of Uncertain Significance.